The following is an entry in ClinVar:

NM_000038.6(APC):c.698A>G (p.Gln233Arg)

Gene: APC (APC regulator of Wnt signaling pathway; plus strand). Cytogenetic location: 5q22.2.
Variant type: single nucleotide variant.
Coding change: c.698A>G on transcript NM_000038.6 (MANE Select); coding-DNA position 698, A replaced by G.
Protein change: p.Gln233Arg; replaces glutamine 233 with arginine.
Molecular consequence: missense variant. On other transcripts: 5 prime UTR variant (4), non-coding transcript variant (2), intron variant (5).
Genome position (GRCh38, 1-based): chr5:112,792,498, A>G. VCF-style: chr5-112792498-A-G. GRCh37 (hg19) VCF-style: chr5-112128195-A-G.
Other names: c.698A>G, p.Gln233Arg (NM_001127510.3, NM_001354895.2, NM_001354896.2 and 12 more transcripts); c.728A>G, p.Gln243Arg (NM_001354897.2, NM_001354902.2, NM_001407446.1); c.623A>G, p.Gln208Arg (NM_001354898.2, NM_001354904.2, NM_001407451.1); c.521A>G, p.Gln174Arg (NM_001354900.2, NM_001354901.2, NM_001354905.2 and 1 more transcripts); c.-338A>G (NM_001354906.2, NM_001407470.1, NM_001407471.1 and 1 more transcripts); c.646-8781A>G (NM_001407452.1, NM_001407469.1, NM_001354899.2 and 1 more transcripts); c.676-8781A>G (NM_001127511.3); c.698A>G (NM_000038.5); short protein forms Q233R, Q174R, Q243R, Q208R.
Identifiers: ClinVar variation 2858859 (VCV002858859.4), dbSNP rs2149684577, ClinGen allele CA16022859.

ClinVar aggregate classification (germline): Uncertain significance. Review status: criteria provided, multiple submitters, no conflicts (2 of 4 stars). 2 submissions from 2 submitters: Uncertain significance (2). Last evaluated 2026-08-05.

Conditions:
Familial adenomatous polyposis 1 (FAP1). Also called: POLYPOSIS, ADENOMATOUS INTESTINAL; FAMILIAL ADENOMATOUS POLYPOSIS 1, ATTENUATED. Identifiers: MedGen C2713442, MONDO:0021056, OMIM 175100. Disease mechanism: loss of function.
Hereditary cancer-predisposing syndrome. Also called: Hereditary Cancer Syndrome; Hereditary neoplastic syndrome; Neoplastic Syndromes, Hereditary; Tumor predisposition. Identifiers: Orphanet 140162, MedGen C0027672, MeSH D009386, MONDO:0015356.

Allele frequency attached by ClinVar (database versions not stated): gnomAD exomes below 0.00001.
gnomAD v4.1: 1 of 1,612,758 alleles (0.000062%); highest among the groups gnomAD compares: Non-Finnish European, 0.000085%; no homozygotes.

Submissions (2):

Ambry Genetics
Classification: Uncertain significance for Hereditary cancer-predisposing syndrome. Last evaluated: 2026-08-05. Review status: criteria provided, single submitter. Criteria: Ambry Variant Classification Scheme 2023. Collection method: clinical testing. Allele origin: germline.
Comment: The p.Q233R variant (also known as c.698A>G), located in coding exon 6 of the APC gene, results from an A to G substitution at nucleotide position 698. The glutamine at codon 233 is replaced by arginine, an amino acid with highly similar properties. This amino acid position is conserved. In addition, in silico predictors for this gene do not accurately predict pathogenicity. Based on the available evidence, the clinical significance of this variant remains unclear.

Labcorp Genetics (formerly Invitae), Labcorp
Classification: Uncertain significance for Familial adenomatous polyposis 1. Last evaluated: 2023-04-24. Review status: criteria provided, single submitter. Criteria: Invitae Variant Classification Sherloc (09022015). Collection method: clinical testing. Allele origin: germline.
Comment: Advanced modeling of protein sequence and biophysical properties (such as structural, functional, and spatial information, amino acid conservation, physicochemical variation, residue mobility, and thermodynamic stability) performed at Invitae indicates that this missense variant is not expected to disrupt APC protein function. This variant has not been reported in the literature in individuals affected with APC-related conditions. This variant is not present in population databases (gnomAD no frequency). This sequence change replaces glutamine, which is neutral and polar, with arginine, which is basic and polar, at codon 233 of the APC protein (p.Gln233Arg). In summary, the available evidence is currently insufficient to determine the role of this variant in disease. Therefore, it has been classified as a Variant of Uncertain Significance.